The following is an entry in ClinVar:

ClinVar aggregate classification (germline): Uncertain significance (1 of 4 stars; one submission).

gnomAD v4.1: 52 of 1,210,514 alleles (0.0043%); highest among the groups gnomAD compares: Non-Finnish European, 0.0057%; no homozygotes.

Submission:

Labcorp Genetics (formerly Invitae), Labcorp
Classification: Uncertain significance. Last evaluated: 2025-11-11. Review status: criteria provided, single submitter. Criteria: Invitae Variant Classification Sherloc (09022015). Collection method: clinical testing. Allele origin: germline.
Comment: This sequence change replaces methionine, which is neutral and non-polar, with threonine, which is neutral and polar, at codon 530 of the STS protein (p.Met530Thr). This variant is present in population databases (rs753563325, gnomAD 0.006%), including at least one homozygous and/or hemizygous individual. This variant has not been reported in the literature in individuals affected with STS-related conditions. Invitae Evidence Modeling of protein sequence and biophysical properties (such as structural, functional, and spatial information, amino acid conservation, physicochemical variation, residue mobility, and thermodynamic stability) indicates that this missense variant is not expected to disrupt STS protein function with a negative predictive value of 80%. In summary, the available evidence is currently insufficient to determine the role of this variant in disease. Therefore, it has been classified as a Variant of Uncertain Significance.

NM_001320752.2(STS):c.1574T>C (p.Met525Thr)

Gene: STS (steroid sulfatase; plus strand). Cytogenetic location: Xp22.31.
Variant type: single nucleotide variant.
Coding change: c.1574T>C on transcript NM_001320752.2 (MANE Select); coding-DNA position 1574, T replaced by C.
Protein change: p.Met525Thr; replaces methionine 525 with threonine.
Molecular consequence: missense variant.
Genome position (GRCh38, 1-based): chrX:7,350,098, T>C. VCF-style: chrX-7350098-T-C. GRCh37 (hg19) VCF-style: chrX-7268139-T-C.
Other names: c.1574T>C, p.Met525Thr (NM_000351.7, NM_001320753.2, NM_001320754.2); c.1610T>C, p.Met537Thr (NM_001320750.3, NM_001320751.2); short protein forms M537T, M525T.
Identifiers: ClinVar variation 4739260 (VCV004739260.1).